The following is an entry in ClinVar:

NM_006258.4(PRKG1):c.1001+3A>G

Gene: PRKG1 (protein kinase cGMP-dependent 1; plus strand). Cytogenetic location: 10q21.1.
Variant type: single nucleotide variant.
Coding change: c.1001+3A>G on transcript NM_006258.4 (MANE Select); 3 bases into the intron after coding-DNA position 1001, A replaced by G.
Molecular consequence: intron variant.
Genome position (GRCh38, 1-based): chr10:52,133,908, A>G. VCF-style: chr10-52133908-A-G. GRCh37 (hg19) VCF-style: chr10-53893668-A-G.
Other names: c.956+3A>G (NM_001098512.3); c.-209+3A>G (NM_001374781.1).
Identifiers: ClinVar variation 1438230 (VCV001438230.7), dbSNP rs1409492576, ClinGen allele CA593544205.

ClinVar aggregate classification (germline): Uncertain significance. Review status: criteria provided, multiple submitters, no conflicts (2 of 4 stars). 2 submissions from 2 submitters: Uncertain significance (2). Last evaluated 2025-08-15.

Conditions:
Aortic aneurysm, familial thoracic 8 (AAT8). Identifiers: MedGen C3809513, MONDO:0014187, OMIM 615436.

Allele frequency attached by ClinVar (database versions not stated): gnomAD exomes below 0.00001; TOPMed 0.00001.
gnomAD v4.1: 6 of 1,611,052 alleles (0.00037%); highest among the groups gnomAD compares: Non-Finnish European, 0.00051%; no homozygotes.

Submissions (2):

Labcorp Genetics (formerly Invitae), Labcorp
Classification: Uncertain significance for Aortic aneurysm, familial thoracic 8. Last evaluated: 2025-08-15. Review status: criteria provided, single submitter. Criteria: Invitae Variant Classification Sherloc (09022015). Collection method: clinical testing. Allele origin: germline.
Comment: This sequence change falls in intron 8 of the PRKG1 gene. It does not directly change the encoded amino acid sequence of the PRKG1 protein. It affects a nucleotide within the consensus splice site. This variant is present in population databases (no rsID available, gnomAD 0.0009%). This variant has not been reported in the literature in individuals affected with PRKG1-related conditions. ClinVar contains an entry for this variant (Variation ID: 1438230). Variants that disrupt the consensus splice site are a relatively common cause of aberrant splicing (PMID: 17576681, 9536098). Algorithms developed to predict the effect of sequence changes on RNA splicing suggest that this variant is not likely to affect RNA splicing. In summary, the available evidence is currently insufficient to determine the role of this variant in disease. Therefore, it has been classified as a Variant of Uncertain Significance.

Blueprint Genetics
Classification: Uncertain significance. Last evaluated: 2021-06-15. Review status: criteria provided, single submitter. Criteria: ACMG Guidelines, 2015. Collection method: clinical testing. Allele origin: germline.

Literature cited by the submitters: PubMed 17576681 (cited by Labcorp Genetics (formerly Invitae), Labcorp); PubMed 9536098 (cited by Labcorp Genetics (formerly Invitae), Labcorp).